The following is an entry in ClinVar:

NM_000465.4(BARD1):c.364+18C>G

Gene: BARD1 (BRCA1 associated RING domain 1; minus strand). Cytogenetic location: 2q35.
Variant type: single nucleotide variant.
Coding change: c.364+18C>G on transcript NM_000465.4 (MANE Select); 18 bases into the intron after coding-DNA position 364, C replaced by G.
Molecular consequence: intron variant.
Genome position (GRCh38, 1-based): chr2:214,792,279, G>C on the plus strand (C>G on the coding strand, the complement: BARD1 is on the minus strand). VCF-style: chr2-214792279-G-C. GRCh37 (hg19) VCF-style: chr2-215657003-G-C.
Other names: c.364+18C>G (LRG_297t1, NM_001282549.2); c.158+17133C>G (NM_001282548.2); c.307+18C>G (NM_001282543.2); c.215+4782C>G (NM_001282545.2).
Identifiers: ClinVar variation 388162 (VCV000388162.1), dbSNP rs1057523017, ClinGen allele CA16604048.

ClinVar aggregate classification (germline): Likely benign (1 of 4 stars; one submission).

Submission:

GeneDx
Classification: Likely benign. Last evaluated: 2016-07-25. Review status: criteria provided, single submitter. Criteria: GeneDx Variant Classification (06012015). Collection method: clinical testing. Allele origin: germline. Affected: yes.
Comment: This variant is considered likely benign or benign based on one or more of the following criteria: it is a conservative change, it occurs at a poorly conserved position in the protein, it is predicted to be benign by multiple in silico algorithms, and/or has population frequency not consistent with disease.